The following is an entry in ClinVar:

ClinVar aggregate classification (germline): Uncertain significance (1 of 4 stars; one submission).

Conditions:
Combined immunodeficiency due to OX40 deficiency. Also called: Immunodeficiency 16; OX40 DEFICIENCY. Identifiers: Orphanet 431149, MedGen C3810053, MONDO:0014268, OMIM 615593.

Allele frequency attached by ClinVar (database versions not stated): gnomAD 0.00001; gnomAD exomes 0.00001; TOPMed 0.00002.
gnomAD v4.1: 21 of 1,595,932 alleles (0.0013%); highest among the groups gnomAD compares: Middle Eastern, 0.023%; no homozygotes.

Submission:

Labcorp Genetics (formerly Invitae), Labcorp
Classification: Uncertain significance for Combined immunodeficiency due to OX40 deficiency. Last evaluated: 2025-10-25. Review status: criteria provided, single submitter. Criteria: Invitae Variant Classification Sherloc (09022015). Collection method: clinical testing. Allele origin: germline.
Comment: This sequence change falls in intron 1 of the TNFRSF4 gene. It does not directly change the encoded amino acid sequence of the TNFRSF4 protein. It affects a nucleotide within the consensus splice site. The frequency data for this variant in the population databases is considered unreliable, as metrics indicate poor data quality at this position in the gnomAD database. This variant has not been reported in the literature in individuals affected with TNFRSF4-related conditions. ClinVar contains an entry for this variant (Variation ID: 1906344). Variants that disrupt the consensus splice site are a relatively common cause of aberrant splicing (PMID: 17576681, 9536098). Algorithms developed to predict the effect of sequence changes on RNA splicing suggest that this variant is not likely to affect RNA splicing. In summary, the available evidence is currently insufficient to determine the role of this variant in disease. Therefore, it has been classified as a Variant of Uncertain Significance.

Literature cited by the submitters: PubMed 17576681; PubMed 9536098.

NM_003327.4(TNFRSF4):c.145+6G>A

Gene: TNFRSF4 (TNF receptor superfamily member 4; minus strand). Cytogenetic location: 1p36.33.
Variant type: single nucleotide variant.
Coding change: c.145+6G>A on transcript NM_003327.4 (MANE Select); 6 bases into the intron after coding-DNA position 145, G replaced by A.
Molecular consequence: intron variant.
Genome position (GRCh38, 1-based): chr1:1,213,977, C>T on the plus strand (G>A on the coding strand, the complement: TNFRSF4 is on the minus strand). VCF-style: chr1-1213977-C-T. GRCh37 (hg19) VCF-style: chr1-1149357-C-T.
Identifiers: ClinVar variation 1906344 (VCV001906344.5), dbSNP rs992069595, ClinGen allele CA16733835.